The following is an entry in ClinVar:

ClinVar aggregate classification (germline): Likely benign (1 of 4 stars; one submission).

Submission:

CeGaT Center for Human Genetics Tuebingen
Classification: Likely benign. Last evaluated: 2025-08-01. Review status: criteria provided, single submitter. Criteria: CeGaT Center For Human Genetics Tuebingen Variant Classification Criteria Version 2. Collection method: clinical testing. Allele origin: germline. Affected: yes. Observed: 2 variant alleles.
Comment: TRIM71: BS2

NM_001039111.3(TRIM71):c.459_467del (p.152HAH[1])

Gene: TRIM71 (tripartite motif containing 71; plus strand). Cytogenetic location: 3p22.3.
Variant type: Deletion.
Coding change: c.459_467del on transcript NM_001039111.3 (MANE Select); coding-DNA positions 459 to 467, 9 bases deleted (TCACCACGC; older notation c.459_467delTCACCACGC).
Protein change: p.152HAH[1].
Molecular consequence: inframe deletion.
Genome position (GRCh38, 1-based): chr3:32,818,539-32,818,547, TCACCACGC deleted; deleting any 9 consecutive bases within chr3:32,818,531-32,818,547 gives the same sequence; the c. name uses the placement nearest the transcript's 3' end. VCF-style (leftmost placement, unchanged base first): chr3-32818530-GCACCACGCT-G. GRCh37 (hg19) VCF-style: chr3-32860022-GCACCACGCT-G.
Identifiers: ClinVar variation 3905159 (VCV003905159.10).
Genomic context (GRCh38, chr3:32,818,530, plus strand): 5'-GCCGCCCAAGAACGGGCGCGCCGGCGCTCCGGCGGGAGCGGGCGGCCACAGCAACCACCG[GCACCACGCT>G]CACCACGCGCACCCGCGCGCGTCCGCCTCCGCGCCGCCACTCCCGCAGGCGCCGCAGCCG-3'